The following is an entry in ClinVar:

NM_000465.4(BARD1):c.1903+24T>G

Gene: BARD1 (BRCA1 associated RING domain 1; minus strand). Cytogenetic location: 2q35.
Variant type: single nucleotide variant.
Coding change: c.1903+24T>G on transcript NM_000465.4 (MANE Select); 24 bases into the intron after coding-DNA position 1903, T replaced by G.
Molecular consequence: intron variant.
Genome position (GRCh38, 1-based): chr2:214,745,043, A>C on the plus strand (T>G on the coding strand, the complement: BARD1 is on the minus strand). VCF-style: chr2-214745043-A-C. GRCh37 (hg19) VCF-style: chr2-215609767-A-C.
Other names: c.493+24T>G (NM_001282548.2); c.1846+24T>G (NM_001282543.2); c.550+24T>G (NM_001282545.2); c.365-14535T>G (NM_001282549.2).
Identifiers: ClinVar variation 4057257 (VCV004057257.1).

ClinVar aggregate classification (germline): Benign (1 of 4 stars; one submission).

Conditions:
Breast-ovarian cancer, familial, susceptibility to, 2 (BROVCA2). Also called: BRCA2 Hereditary Breast and Ovarian Cancer. Identifiers: Orphanet 145, MedGen C2675520, MONDO:0012933, OMIM 612555. Disease mechanism: loss of function.

gnomAD v4.1: 138 of 1,589,514 alleles (0.0087%); highest among the groups gnomAD compares: Middle Eastern, 0.083%; no homozygotes.

Submission:

Dipartimento Di Medicina Di Precisione, Università Degli Studi Della Campania Luigi Vanvitelli
Classification: Benign for Breast-ovarian cancer, familial, susceptibility to, 2. Last evaluated: 2025-07-18. Review status: criteria provided, single submitter. Criteria: ACMG Guidelines, 2015. Collection method: clinical testing. Allele origin: germline. Inheritance: Autosomal dominant inheritance. Affected: yes. Observed: 1 heterozygote.
Comment: The BARD1 c.1903+24T>G variant is a novel deep intronic change located 24 nucleotides downstream of exon 12. In silico splicing prediction tools consistently predict no impact on normal splicing. The variant does not alter canonical splice sites nor create cryptic splice sites. It is absent from population databases and clinical reports. Based on these data and according to ACMG criteria, the variant is classified as benign.

Literature cited by the submitters: DOI 10.3390/ijms26135928.